The following is an entry in ClinVar:

ClinVar aggregate classification (germline): Pathogenic (1 of 4 stars; one submission).

Conditions:
Severe intellectual disability-progressive spastic diplegia syndrome (NEDSDV). Also called: NEURODEVELOPMENTAL DISORDER WITH SPASTIC DIPLEGIA AND VISUAL DEFECTS; CTNNB1 Neurodevelopmental Disorder. Identifiers: Orphanet 404473, MedGen C3554449, MONDO:0014035, OMIM 615075.

Submission:

Victorian Clinical Genetics Services, Murdoch Childrens Research Institute
Classification: Pathogenic for Severe intellectual disability-progressive spastic diplegia syndrome. Last evaluated: 2023-07-17. Review status: criteria provided, single submitter. Criteria: ACMG Guidelines, 2015. Collection method: clinical testing. Allele origin: germline. Inheritance: Autosomal dominant inheritance. Affected: yes.
Comment: Based on the classification scheme VCGS_Germline_v1.3.4, this variant is classified as Pathogenic. Following criteria are met: 0102 - Loss of function is a known mechanism of disease in this gene and is associated with neurodevelopmental disorder with spastic diplegia and visual defects (MIM#615075), and exudative vitreoretinopathy 7 (MIM#617572). However, somatic variants with a gain of function mechanism have been reported to cause cancer (OMIM). (I) 0107 - This gene is associated with autosomal dominant disease. (I) 0211 - Canonical splice site variant without proven consequence on splicing (no functional evidence available). (SP) 0251 - This variant is heterozygous. (I) 0301 - Variant is absent from gnomAD (both v2 and v3). (SP) 0505 - Abnormal splicing is predicted by in silico tools and affected nucleotide is highly conserved. (SP) 0701 - Other splice site variants comparable to the one identified in this case have very strong previous evidence for pathogenicity. c.242-2A>G, c.242-3C>A, and c.242-5T>G have been classified as pathogenic or likely pathogenic in ClinVar (c.242-3C>A from VCGS cohort), and c.242-1G>C has been reported in the literature in an individual with syndromic developmental delay (PMID: 34558805). (SP) 0807 - This variant has no previous evidence of pathogenicity. (I) 0905 - No published segregation evidence has been identified for this variant. (I) 1007 - No published functional evidence has been identified for this variant. (SP) Legend: (SP) - Supporting pathogenic, (I) - Information, (SB) - Supporting benign

Literature cited by the submitters: PubMed 34558805.

NM_001904.4(CTNNB1):c.242-1G>T

Genes: CTNNB1 (catenin beta 1; plus strand), LOC126806658 (BRD4-independent group 4 enhancer GRCh37_chr3:41265899-41267098; plus strand). Cytogenetic location: 3p22.1.
Variant type: single nucleotide variant.
Coding change: c.242-1G>T on transcript NM_001904.4 (MANE Select); the canonical splice acceptor site of the intron before coding-DNA position 242, G replaced by T.
Molecular consequence: splice acceptor variant.
Genome position (GRCh38, 1-based): chr3:41,224,953, G>T. VCF-style: chr3-41224953-G-T. GRCh37 (hg19) VCF-style: chr3-41266444-G-T.
Other names: c.221-1G>T (NM_001330729.2); c.242-1G>T (NM_001098209.2, NM_001098210.2).
Identifiers: ClinVar variation 3254555 (VCV003254555.1), dbSNP rs2078140157.